The following is an entry in ClinVar:

NM_002294.3(LAMP2):c.929-2A>G

Gene: LAMP2 (lysosomal associated membrane protein 2; minus strand). Cytogenetic location: Xq24.
Variant type: single nucleotide variant.
Coding change: c.929-2A>G on transcript NM_002294.3 (MANE Select); the canonical splice acceptor site of the intron before coding-DNA position 929, A replaced by G.
Molecular consequence: splice acceptor variant.
Genome position (GRCh38, 1-based): chrX:120,441,896, T>C on the plus strand (A>G on the coding strand, the complement: LAMP2 is on the minus strand). VCF-style: chrX-120441896-T-C. GRCh37 (hg19) VCF-style: chrX-119575751-T-C.
Other names: c.929-2A>G (NM_001122606.1, NM_013995.2).
Identifiers: ClinVar variation 449156 (VCV000449156.8), dbSNP rs1556092556, ClinGen allele CA414400254.

ClinVar aggregate classification (germline): Pathogenic/Likely pathogenic. Review status: criteria provided, multiple submitters, no conflicts (2 of 4 stars). 2 submissions from 2 submitters: Pathogenic (1); Likely pathogenic (1). Last evaluated 2024-03-02.

Submissions (2):

GeneDx
Classification: Likely pathogenic. Last evaluated: 2024-03-02. Review status: criteria provided, single submitter. Criteria: GeneDx Variant Classification Process June 2021. Collection method: clinical testing. Allele origin: germline. Affected: yes.
Comment: Canonical splice site variant expected to result in aberrant splicing, although in the absence of functional evidence the actual effect of this sequence change is unknown.; Not observed at significant frequency in large population cohorts (gnomAD); This variant is associated with the following publications: (PMID: 27532257, Avanthi2023[poster])

Institute of Medical Genetics and Applied Genomics, University Hospital Tübingen
Classification: Pathogenic. Last evaluated: 2020-10-23. Review status: criteria provided, single submitter. Criteria: ACMG Guidelines, 2015. Collection method: clinical testing. Allele origin: germline. Inheritance: Unknown mechanism. Affected: yes.